The following is an entry in ClinVar:

NC_000023.10:g.(?_32583819)_(32632570_?)dup

Genes: DMD (dystrophin; minus strand), MIR3915 (microRNA 3915; minus strand). Cytogenetic location: Xp21.1.
Variant type: Duplication.
Identifiers: ClinVar variation 417509 (VCV000417509.1).

ClinVar aggregate classification (germline): Pathogenic (1 of 4 stars; one submission).

Conditions:
Duchenne muscular dystrophy (DMD). Also called: MUSCULAR DYSTROPHY, PSEUDOHYPERTROPHIC PROGRESSIVE, DUCHENNE TYPE; Duchenne Muscular Dystrophy (DMD). Identifiers: Orphanet 98896, MedGen C0013264, MONDO:0010679, OMIM 310200.

Submission:

Labcorp Genetics (formerly Invitae), Labcorp
Classification: Pathogenic for Duchenne muscular dystrophy. Last evaluated: 2016-10-09. Review status: criteria provided, single submitter. Criteria: Invitae Variant Classification Sherloc (09022015). Collection method: clinical testing. Allele origin: germline.
Comment: This variant is a gross duplication of the genomic region encompassing exons 12-16 of the DMD gene. While the exact position of the duplicated exons cannot be determined from this data, the duplicated copy of this region is likely in tandem and may result in an absent or disrupted protein product. Loss-of-function variants in DMD are known to be pathogenic. A similar duplication of exons 12-16 has been reported in the literature in an individual affected with muscular dystrophy (PMID: 22234189). In addition, similar duplications, specifically of exon 12 (PMID: 12111668, 16917894, 23349452, 18853462), exons 12-13 (PMID: 16917894, 25482253), and exons 12-15 (PMID: 18853462), have been reported in affected individuals. For these reasons, this variant has been classified as Pathogenic.